The following is an entry in ClinVar:

ClinVar aggregate classification (germline): Uncertain significance. Review status: criteria provided, multiple submitters, no conflicts (2 of 4 stars). 3 submissions from 3 submitters: Uncertain significance (3). Last evaluated 2025-05-25.

Conditions:
Hereditary cancer-predisposing syndrome. Also called: Hereditary neoplastic syndrome; Neoplastic Syndromes, Hereditary; Hereditary Cancer Syndrome; Tumor predisposition. Identifiers: Orphanet 140162, MedGen C0027672, MeSH D009386, MONDO:0015356.
Familial cancer of breast. Also called: BREAST CANCER, FAMILIAL; Hereditary breast cancer; hereditary breast carcinoma. Identifiers: Orphanet 227535, MedGen C0346153, MONDO:0016419, OMIM 114480. Disease mechanism: loss of function.

Submissions (3):

Color Diagnostics, LLC DBA Color Health
Classification: Uncertain significance for Hereditary cancer-predisposing syndrome. Last evaluated: 2025-05-25. Review status: criteria provided, single submitter. Criteria: ACMG Guidelines, 2015. Collection method: clinical testing. Allele origin: germline.
Comment: This missense variant replaces valine with isoleucine at codon 300 of the CHEK2 protein. Computational prediction suggests that this variant may not impact protein structure and function. To our knowledge, functional studies have not been reported for this variant. This variant has not been reported in individuals affected with CHEK2-related disorders in the literature. This variant has not been identified in the general population by the Genome Aggregation Database (gnomAD). The available evidence is insufficient to determine the role of this variant in disease conclusively. Therefore, this variant is classified as a Variant of Uncertain Significance.

Ambry Genetics
Classification: Uncertain significance for Hereditary cancer-predisposing syndrome. Last evaluated: 2024-02-27. Review status: criteria provided, single submitter. Criteria: Ambry Variant Classification Scheme 2023. Collection method: clinical testing. Allele origin: germline.
Comment: The p.V300I variant (also known as c.898G>A), located in coding exon 7 of the CHEK2 gene, results from a G to A substitution at nucleotide position 898. The valine at codon 300 is replaced by isoleucine, an amino acid with highly similar properties. This amino acid position is highly conserved in available vertebrate species. In addition, the in silico prediction for this alteration is inconclusive. Based on the available evidence, the clinical significance of this alteration remains unclear.

Labcorp Genetics (formerly Invitae), Labcorp
Classification: Uncertain significance for Familial cancer of breast. Last evaluated: 2021-09-01. Review status: criteria provided, single submitter. Criteria: Invitae Variant Classification Sherloc (09022015). Collection method: clinical testing. Allele origin: germline.
Comment: This sequence change replaces valine with isoleucine at codon 300 of the CHEK2 protein (p.Val300Ile). The valine residue is highly conserved and there is a small physicochemical difference between valine and isoleucine. This variant is not present in population databases (ExAC no frequency). This variant has not been reported in the literature in individuals affected with CHEK2-related conditions. Algorithms developed to predict the effect of missense changes on protein structure and function are either unavailable or do not agree on the potential impact of this missense change (SIFT: "Tolerated"; PolyPhen-2: "Possibly Damaging"; Align-GVGD: "Class C0"). In summary, the available evidence is currently insufficient to determine the role of this variant in disease. Therefore, it has been classified as a Variant of Uncertain Significance.

NM_007194.4(CHEK2):c.898G>A (p.Val300Ile)

Gene: CHEK2 (checkpoint kinase 2; minus strand). Cytogenetic location: 22q12.1.
Variant type: single nucleotide variant.
Coding change: c.898G>A on transcript NM_007194.4 (MANE Select); coding-DNA position 898, G replaced by A.
Protein change: p.Val300Ile; replaces valine 300 with isoleucine.
Molecular consequence: missense variant.
Genome position (GRCh38, 1-based): chr22:28,703,515, C>T on the plus strand (G>A on the coding strand, the complement: CHEK2 is on the minus strand). VCF-style: chr22-28703515-C-T. GRCh37 (hg19) VCF-style: chr22-29099503-C-T.
Other names: c.1027G>A, p.Val343Ile (NM_001005735.3); c.235G>A, p.Val79Ile (NM_001257387.3); c.697G>A, p.Val233Ile (NM_001349956.3); c.898G>A, p.Val300Ile (NM_145862.3); short protein forms V300I, V343I, V79I, V233I.
Identifiers: ClinVar variation 530128 (VCV000530128.8), dbSNP rs1171168822, ClinGen allele CA411100983.
Genomic context (GRCh38, chr22:28,703,515, plus strand): 5'-TATAAAGCATTTGAATGGAAACAGAAATTTTTAAAAAGTTTACTACTTACAATTCCAAAA[C>T]AATATAATAATCTTCTGCATCAAAAAAGTTTTTAATCTTGATGATGCAAGGCTAAGAAGA-3'
Protein context (NP_009125.1, residues 290-310): NFFDAEDYYI[Val300Ile]LELMEGGELF